The following is an entry in ClinVar:

NC_000002.12:g.(?_165090130)_(166311776_?)del

Genes: CSRNP3 (cysteine and serine rich nuclear protein 3; plus strand), GALNT3 (polypeptide N-acetylgalactosaminyltransferase 3; minus strand), SCN1A (sodium voltage-gated channel alpha subunit 1; minus strand), SCN1A-AS1 (SCN1A and SCN9A antisense RNA 1; plus strand), SCN2A (sodium voltage-gated channel alpha subunit 2; plus strand) and 14 more. Cytogenetic location: 2q24.3.
Variant type: Deletion.
Identifiers: ClinVar variation 651833 (VCV000651833.10).

ClinVar aggregate classification (germline): Pathogenic. Review status: criteria provided, single submitter (1 of 4 stars). 4 submissions from 1 submitter: Pathogenic (1). 3 of the submissions do not count toward it. Last evaluated 2022-10-28.

Conditions:
Developmental and epileptic encephalopathy. Identifiers: MedGen C5779964, MONDO:0100620.
Seizures, benign familial infantile, 3 (BFIS3). Also called: CONVULSIONS, BENIGN FAMILIAL INFANTILE, 3; Familial neonatal seizures. Identifiers: Orphanet 140927, Orphanet 306, MedGen C1843140, MONDO:0011904, OMIM 607745.
Developmental and epileptic encephalopathy, 11 (DEE11). Also called: Early infantile epileptic encephalopathy 11. Identifiers: Orphanet 1934, MedGen C3150987, MONDO:0013388, OMIM 613721.
Neuropathy, hereditary sensory and autonomic, type 2A (HSAN2A). Also called: HSAN IIA; WNK1-Related HSAN2 (HSAN2A); ACROOSTEOLYSIS, GIACCAI TYPE; ACROOSTEOLYSIS, NEUROGENIC; MORVAN DISEASE; NEUROPATHY, CONGENITAL SENSORY. Identifiers: Orphanet 970, MedGen C2752089, MONDO:0024309, OMIM 201300.
Generalized epilepsy with febrile seizures plus, type 7 (GEFSP7). Also called: GEFS+, TYPE 7. Identifiers: Orphanet 36387, MedGen C2751778, MONDO:0013470, OMIM 613863.

Submissions (4):

Labcorp Genetics (formerly Invitae), Labcorp
Classification: Pathogenic for Early-infantile DEE. Last evaluated: 2022-10-28. Review status: criteria provided, single submitter. Criteria: Invitae Variant Classification Sherloc (09022015). Collection method: clinical testing. Allele origin: germline.
Comment: A gross deletion of the genomic region encompassing the full coding sequence of the SCN1A gene has been identified. Loss-of-function variants in SCN1A are known to be pathogenic (PMID: 17347258, 18930999). The boundaries of this event are unknown as they extend beyond the assayed region for this gene and therefore may encompass additional genes. A similar copy number variant has been observed in individual(s) with Dravet syndrome (PMID: 16865694, 17561957, 20522430, 21719429, 26068938). In at least one individual the variant was observed to be de novo. For these reasons, this variant has been classified as Pathogenic.

Labcorp Genetics (formerly Invitae), Labcorp
Classification: Pathogenic for Neuropathy, hereditary sensory and autonomic, type 2A; Generalized epilepsy with febrile seizures plus, type 7. Last evaluated: 2022-10-28. Review status: flagged submission. Criteria: Invitae Variant Classification Sherloc (09022015). Collection method: clinical testing. Allele origin: germline. Not counted in ClinVar's aggregate classification.
Comment: A gross deletion of the genomic region encompassing the full coding sequence of the SCN9A gene has been identified. Loss-of-function variants in SCN9A are known to be pathogenic (PMID: 17470132, 19304393). The boundaries of this event are unknown as they extend beyond the assayed region for this gene and therefore may encompass additional genes. Isolated whole-gene deletions of SCN9A have not been reported in the literature. However, larger copy number events that include this gene have been reported (PMID: 19400878, 23662938). For these reasons, this variant has been classified as Pathogenic.
ClinVar note: Reason: This record appears to be redundant with a more recent record from the same submitter.
ClinVar note: Notes: SCV003791249 appears to be redundant with SCV000947301.

Labcorp Genetics (formerly Invitae), Labcorp
Classification: Uncertain significance. Last evaluated: 2022-10-28. Review status: flagged submission. Criteria: Invitae Variant Classification Sherloc (09022015). Collection method: clinical testing. Allele origin: germline. Not counted in ClinVar's aggregate classification.
Comment: A gross deletion of the genomic region encompassing the full coding sequence of the SCN3A gene has been identified. The current clinical and genetic evidence is not sufficient to establish whether loss-of-function variants in SCN3A cause disease. The boundaries of this event are unknown as they extend beyond the assayed region for this gene and therefore may encompass additional genes. Isolated whole-gene deletions of SCN3A have not been reported in the literature. However, larger copy number events that include this gene have been reported (PMID: 23662938). In summary, the available evidence is currently insufficient to determine the role of this variant in disease. Therefore, it has been classified as a Variant of Uncertain Significance.
ClinVar note: Reason: This record appears to be redundant with a more recent record from the same submitter.
ClinVar note: Notes: SCV003791578 appears to be redundant with SCV000947301.

Labcorp Genetics (formerly Invitae), Labcorp
Classification: Pathogenic for Seizures, benign familial infantile, 3; Developmental and epileptic encephalopathy, 11. Last evaluated: 2022-10-28. Review status: flagged submission. Criteria: Invitae Variant Classification Sherloc (09022015). Collection method: clinical testing. Allele origin: germline. Not counted in ClinVar's aggregate classification.
Comment: A gross deletion of the genomic region encompassing the full coding sequence of the SCN2A gene has been identified. Loss-of-function variants in SCN2A are known to be pathogenic (PMID: 28379373). The boundaries of this event are unknown as they extend beyond the assayed region for this gene and therefore may encompass additional genes. Isolated whole-gene deletions of SCN2A have not been reported in the literature. However, larger copy number events that include this gene have been reported (PMID: 19400878, 23662938). For these reasons, this variant has been classified as Pathogenic.
ClinVar note: Reason: This record appears to be redundant with a more recent record from the same submitter.
ClinVar note: Notes: SCV003791797 appears to be redundant with SCV000947301.

Literature cited by the submitters: PubMed 17347258; PubMed 18930999; PubMed 16865694; PubMed 17561957; PubMed 20522430; PubMed 21719429; PubMed 26068938; PubMed 17470132; PubMed 19304393; PubMed 19400878; PubMed 23662938; PubMed 28379373.